The following is an entry in ClinVar:

ClinVar aggregate classification (germline): Uncertain significance (1 of 4 stars; one submission).

Conditions:
Autoimmune interstitial lung disease-arthritis syndrome. Also called: Autoinflammation and autoimmunity, systemic, with immune dysregulation. Identifiers: Orphanet 444092, MedGen C5975714, MONDO:0014629.

Allele frequency attached by ClinVar (database versions not stated): TOPMed below 0.00001; ExAC 0.00001; gnomAD exomes 0.00002 and below 0.00001.

Submission:

Labcorp Genetics (formerly Invitae), Labcorp
Classification: Uncertain significance for Autoimmune interstitial lung disease-arthritis syndrome. Last evaluated: 2024-01-06. Review status: criteria provided, single submitter. Criteria: Invitae Variant Classification Sherloc (09022015). Collection method: clinical testing. Allele origin: germline.
Comment: This sequence change replaces glycine, which is neutral and non-polar, with arginine, which is basic and polar, at codon 846 of the COPA protein (p.Gly846Arg). This variant is present in population databases (rs777487139, gnomAD 0.006%). This variant has not been reported in the literature in individuals affected with COPA-related conditions. ClinVar contains an entry for this variant (Variation ID: 837551). Advanced modeling of protein sequence and biophysical properties (such as structural, functional, and spatial information, amino acid conservation, physicochemical variation, residue mobility, and thermodynamic stability) performed at Invitae indicates that this missense variant is expected to disrupt COPA protein function with a positive predictive value of 80%. In summary, the available evidence is currently insufficient to determine the role of this variant in disease. Therefore, it has been classified as a Variant of Uncertain Significance.

NM_004371.4(COPA):c.2536G>A (p.Gly846Arg)

Gene: COPA (coat protein complex I subunit alpha; minus strand). Cytogenetic location: 1q23.2.
Variant type: single nucleotide variant.
Coding change: c.2536G>A on transcript NM_004371.4 (MANE Select); coding-DNA position 2536, G replaced by A.
Protein change: p.Gly846Arg; replaces glycine 846 with arginine.
Molecular consequence: missense variant.
Genome position (GRCh38, 1-based): chr1:160,294,798, C>T on the plus strand (G>A on the coding strand, the complement: COPA is on the minus strand). VCF-style: chr1-160294798-C-T. GRCh37 (hg19) VCF-style: chr1-160264588-C-T.
Other names: c.2563G>A, p.Gly855Arg (NM_001098398.2); short protein forms G846R, G855R.
Identifiers: ClinVar variation 837551 (VCV000837551.9), dbSNP rs777487139, ClinGen allele CA1197860.
Genomic context (GRCh38, chr1:160,294,798, plus strand): 5'-CCCAGAACAGTCTTAAAACAGCACTTTTACCTTCATCCAACTGCAGCTCTGCATCCTCTC[C>T]CCAGCCCTCTGTACCAACAGTGTCAATGTCAATGTCAGCAGCCAGTGCTCCTCCCTTCCC-3'
Protein context (NP_004362.2, residues 836-856): DIDTVGTEGW[Gly846Arg]EDAELQLDED